The following is an entry in ClinVar:

ClinVar aggregate classification (germline): Uncertain significance (1 of 4 stars; one submission).

Conditions:
Familial hypobetalipoproteinemia 1. Also called: APOB-Related Familial Hypobetalipoproteinemia; Hypobetalipoproteinemia, normotriglyceridemic; Acanthocytosis with hypobetalipoproteinemia. Identifiers: MedGen C4551990, MONDO:0014252, OMIM 615558.
Hypercholesterolemia, autosomal dominant, type B (FHCL2). Also called: APOB-Related Familial Hypercholesterolemia, Autosomal Dominant; Familial hypercholesterolemia 2; Familial Hypercholesterolemia Type B; APOLIPOPROTEIN B-100, FAMILIAL DEFECTIVE; APOLIPOPROTEIN B-100, FAMILIAL LIGAND-DEFECTIVE; HYPERCHOLESTEROLEMIA, FAMILIAL, DUE TO LIGAND-DEFECTIVE APOLIPOPROTEIN B. Identifiers: MedGen C1704417, MONDO:0007751, OMIM 144010.

gnomAD v4.1: 5 of 1,614,026 alleles (0.00031%); highest among the groups gnomAD compares: Middle Eastern, 0.016%; no homozygotes.

Submission:

Labcorp Genetics (formerly Invitae), Labcorp
Classification: Uncertain significance for Familial hypobetalipoproteinemia 1; Hypercholesterolemia, autosomal dominant, type B. Last evaluated: 2025-02-06. Review status: criteria provided, single submitter. Criteria: Invitae Variant Classification Sherloc (09022015). Collection method: clinical testing. Allele origin: germline.
Comment: This sequence change replaces valine, which is neutral and non-polar, with isoleucine, which is neutral and non-polar, at codon 3306 of the APOB protein (p.Val3306Ile). This variant is not present in population databases (gnomAD no frequency). This missense change has been observed in individual(s) with clinical features of familial hypercholesterolemia (PMID: 34297352, 34756585). Invitae Evidence Modeling of protein sequence and biophysical properties (such as structural, functional, and spatial information, amino acid conservation, physicochemical variation, residue mobility, and thermodynamic stability) indicates that this missense variant is not expected to disrupt APOB protein function with a negative predictive value of 95%. In summary, the available evidence is currently insufficient to determine the role of this variant in disease. Therefore, it has been classified as a Variant of Uncertain Significance.

Literature cited by the submitters: PubMed 34297352; PubMed 34756585.

NM_000384.3(APOB):c.9916G>A (p.Val3306Ile)

Gene: APOB (apolipoprotein B; minus strand). Cytogenetic location: 2p24.1.
Variant type: single nucleotide variant.
Coding change: c.9916G>A on transcript NM_000384.3 (MANE Select); coding-DNA position 9916, G replaced by A.
Protein change: p.Val3306Ile; replaces valine 3306 with isoleucine.
Molecular consequence: missense variant.
Genome position (GRCh38, 1-based): chr2:21,006,952, C>T on the plus strand (G>A on the coding strand, the complement: APOB is on the minus strand). VCF-style: chr2-21006952-C-T. GRCh37 (hg19) VCF-style: chr2-21229824-C-T.
Other names: short protein forms V3306I.
Identifiers: ClinVar variation 4785977 (VCV004785977.1).